The following is an entry in ClinVar:

NM_014444.5(TUBGCP4):c.557A>C (p.Gln186Pro)

Gene: TUBGCP4 (tubulin gamma complex component 4; plus strand). Cytogenetic location: 15q15.3.
Variant type: single nucleotide variant.
Coding change: c.557A>C on transcript NM_014444.5 (MANE Select); coding-DNA position 557, A replaced by C.
Protein change: p.Gln186Pro; replaces glutamine 186 with proline.
Molecular consequence: missense variant.
Genome position (GRCh38, 1-based): chr15:43,383,338, A>C. VCF-style: chr15-43383338-A-C. GRCh37 (hg19) VCF-style: chr15-43675536-A-C.
Other names: c.557A>C (NM_014444.2); c.557A>C, p.Gln186Pro (NM_001286414.3); short protein forms Q186P.
Identifiers: ClinVar variation 1475923 (VCV001475923.8), dbSNP rs773090430, ClinGen allele CA7523823.
Genomic context (GRCh38, chr15:43,383,338, plus strand): 5'-GCCTCTTACTTTCTACTCTGCCCAGAATCCTGGCCGTTTGTCATGGGGTCATGTATAAAC[A>C]GCTCTCAGCCTGGATGCTCCATGGACTCCTCTTGGACCAGCATGAAGAATTCTTTATCAA-3'
Protein context (NP_055259.2, residues 176-196): LAVCHGVMYK[Gln186Pro]LSAWMLHGLL

ClinVar aggregate classification (germline): Uncertain significance. Review status: criteria provided, multiple submitters, no conflicts (2 of 4 stars). 2 submissions from 2 submitters: Uncertain significance (2). Last evaluated 2025-08-23.

Conditions:
Inborn genetic diseases. Identifiers: MedGen C0950123, MeSH D030342.

Allele frequency attached by ClinVar (database versions not stated): gnomAD exomes 0.00001 and 0.00002; ExAC 0.00002; gnomAD 0.00006 and 0.00007; TOPMed 0.00008.
gnomAD v4.1: 12 of 1,614,088 alleles (0.00074%); highest among the groups gnomAD compares: African/African-American, 0.016%; no homozygotes.

Submissions (2):

Ambry Genetics
Classification: Uncertain significance for Inborn genetic diseases. Last evaluated: 2025-08-23. Review status: criteria provided, single submitter. Criteria: Ambry Variant Classification Scheme 2023. Collection method: clinical testing. Allele origin: germline.

Labcorp Genetics (formerly Invitae), Labcorp
Classification: Uncertain significance. Last evaluated: 2024-10-28. Review status: criteria provided, single submitter. Criteria: Invitae Variant Classification Sherloc (09022015). Collection method: clinical testing. Allele origin: germline.
Comment: This sequence change replaces glutamine, which is neutral and polar, with proline, which is neutral and non-polar, at codon 186 of the TUBGCP4 protein (p.Gln186Pro). This variant is present in population databases (rs773090430, gnomAD 0.03%). This variant has not been reported in the literature in individuals affected with TUBGCP4-related conditions. ClinVar contains an entry for this variant (Variation ID: 1475923). Invitae Evidence Modeling of protein sequence and biophysical properties (such as structural, functional, and spatial information, amino acid conservation, physicochemical variation, residue mobility, and thermodynamic stability) indicates that this missense variant is expected to disrupt TUBGCP4 protein function with a positive predictive value of 80%. In summary, the available evidence is currently insufficient to determine the role of this variant in disease. Therefore, it has been classified as a Variant of Uncertain Significance.